The following is an entry in ClinVar:

NM_001197104.2(KMT2A):c.8101G>A (p.Ala2701Thr)

Gene: KMT2A (lysine methyltransferase 2A; plus strand). Cytogenetic location: 11q23.3.
Variant type: single nucleotide variant.
Coding change: c.8101G>A on transcript NM_001197104.2 (MANE Select); coding-DNA position 8101, G replaced by A.
Protein change: p.Ala2701Thr; replaces alanine 2701 with threonine.
Molecular consequence: missense variant.
Genome position (GRCh38, 1-based): chr11:118,503,993, G>A. VCF-style: chr11-118503993-G-A. GRCh37 (hg19) VCF-style: chr11-118374708-G-A.
Other names: c.8191G>A, p.Ala2731Thr (NM_001412597.1); c.8092G>A, p.Ala2698Thr (NM_005933.4); short protein forms A2701T, A2698T, A2731T.
Identifiers: ClinVar variation 3676347 (VCV003676347.2).

ClinVar aggregate classification (germline): Uncertain significance (1 of 4 stars; one submission).

gnomAD v4.1: 1 of 1,614,176 alleles (0.000062%); highest among the groups gnomAD compares: South Asian, 0.0011%; no homozygotes.

Submission:

Labcorp Genetics (formerly Invitae), Labcorp
Classification: Uncertain significance. Last evaluated: 2024-06-05. Review status: criteria provided, single submitter. Criteria: Invitae Variant Classification Sherloc (09022015). Collection method: clinical testing. Allele origin: germline.
Comment: This sequence change replaces alanine, which is neutral and non-polar, with threonine, which is neutral and polar, at codon 2701 of the KMT2A protein (p.Ala2701Thr). This variant is present in population databases (rs781925188, gnomAD 0.003%). This variant has not been reported in the literature in individuals affected with KMT2A-related conditions. Advanced modeling of protein sequence and biophysical properties (such as structural, functional, and spatial information, amino acid conservation, physicochemical variation, residue mobility, and thermodynamic stability) performed at Invitae indicates that this missense variant is not expected to disrupt KMT2A protein function with a negative predictive value of 95%. In summary, the available evidence is currently insufficient to determine the role of this variant in disease. Therefore, it has been classified as a Variant of Uncertain Significance.